The following is an entry in ClinVar:

ClinVar aggregate classification (germline): Conflicting classifications of pathogenicity. Review status: criteria provided, conflicting classifications (1 of 4 stars). 2 submissions from 2 submitters: Uncertain significance (1); Likely benign (1). Last evaluated 2025-10-21.

Conditions:
Saldino-Mainzer syndrome (SRTD9). Also called: Renal dysplasia, retinal pigmentary dystrophy, cerebellar ataxia and skeletal dysplasia; SHORT-RIB THORACIC DYSPLASIA 9 WITHOUT POLYDACTYLY; short-rib thoracic dysplasia 9 with or without polydactyly; CONORENAL SYNDROME. Identifiers: Orphanet 140969, MedGen C1849437, MONDO:0009964, OMIM 266920.

Allele frequency attached by ClinVar (database versions not stated): gnomAD exomes 0.00002 and 0.00003; ExAC 0.00003; TOPMed 0.00006; gnomAD 0.00009.
gnomAD v4.1: 45 of 1,613,880 alleles (0.0028%); highest among the groups gnomAD compares: African/African-American, 0.012%; no homozygotes.

Submissions (2):

Labcorp Genetics (formerly Invitae), Labcorp
Classification: Uncertain significance for Saldino-Mainzer syndrome. Last evaluated: 2025-10-21. Review status: criteria provided, single submitter. Criteria: Invitae Variant Classification Sherloc (09022015). Collection method: clinical testing. Allele origin: germline.
Comment: This sequence change affects codon 211 of the IFT140 mRNA. It is a 'silent' change, meaning that it does not change the encoded amino acid sequence of the IFT140 protein. It affects a nucleotide within the consensus splice site. This variant is present in population databases (rs201319525, gnomAD 0.006%). This variant has not been reported in the literature in individuals affected with IFT140-related conditions. ClinVar contains an entry for this variant (Variation ID: 1044424). Algorithms developed to predict the effect of sequence changes on RNA splicing suggest that this variant is not likely to affect RNA splicing. In summary, the available evidence is currently insufficient to determine the role of this variant in disease. Therefore, it has been classified as a Variant of Uncertain Significance.

Blueprint Genetics
Classification: Likely benign. Last evaluated: 2022-09-09. Review status: criteria provided, single submitter. Criteria: ACMG Guidelines, 2015. Collection method: clinical testing. Allele origin: germline.

NM_014714.4(IFT140):c.633C>T (p.Asp211=)

Genes: IFT140 (intraflagellar transport 140; minus strand), LOC105371046 (uncharacterized LOC105371046; plus strand). Cytogenetic location: 16p13.3.
Variant type: single nucleotide variant.
Coding change: c.633C>T on transcript NM_014714.4 (MANE Select); coding-DNA position 633, C replaced by T.
Protein change: p.Asp211=; no amino-acid change (aspartic acid 211 retained).
Molecular consequence: synonymous variant.
Genome position (GRCh38, 1-based): chr16:1,592,177, G>A on the plus strand (C>T on the coding strand, the complement: IFT140 is on the minus strand). VCF-style: chr16-1592177-G-A. GRCh37 (hg19) VCF-style: chr16-1642178-G-A.
Identifiers: ClinVar variation 1044424 (VCV001044424.6), dbSNP rs201319525, ClinGen allele CA7814641.